The following is an entry in ClinVar:

ClinVar aggregate classification (germline): Conflicting classifications of pathogenicity. Review status: criteria provided, conflicting classifications (1 of 4 stars). 3 submissions from 3 submitters: Uncertain significance (1); Likely benign (2). Last evaluated 2026-05-27.

Conditions:
Senior-Loken syndrome 5 (SLSN5). Identifiers: Orphanet 3156, MedGen C1836517, MONDO:0012225, OMIM 609254.
IQCB1-related disorder. Also called: IQCB1-related condition.
Nephronophthisis. Also called: Juvenile Nephronophthisis. Identifiers: Orphanet 655, MedGen C0687120, MONDO:0019005, HP:0000090.

Allele frequency attached by ClinVar (database versions not stated): gnomAD exomes below 0.00001; gnomAD 0.00001; TOPMed 0.00001.
gnomAD v4.1: 3 of 1,614,024 alleles (0.00019%); highest among the groups gnomAD compares: East Asian, 0.0045%; no homozygotes.

Submissions (3):

PreventionGenetics, part of Exact Sciences
Classification: Likely benign for IQCB1-related condition. Last evaluated: 2026-05-27. Review status: criteria provided, single submitter. Criteria: ACMG Guidelines, 2015. Collection method: clinical testing. Allele origin: germline.
Comment: This variant is classified as likely benign based on ACMG/AMP sequence variant interpretation guidelines (Richards et al. 2015 PMID: 25741868, with internal and published modifications).

Labcorp Genetics (formerly Invitae), Labcorp
Classification: Likely benign for Nephronophthisis. Last evaluated: 2020-11-23. Review status: criteria provided, single submitter. Criteria: Invitae Variant Classification Sherloc (09022015). Collection method: clinical testing. Allele origin: germline.

Illumina Laboratory Services, Illumina
Classification: Uncertain significance for Senior-Loken syndrome 5. Last evaluated: 2018-01-12. Review status: criteria provided, single submitter. Criteria: ICSL Variant Classification Criteria 13 December 2019. Collection method: clinical testing. Allele origin: germline.

NM_001023570.4(IQCB1):c.1656C>G (p.Ala552=)

Gene: IQCB1 (IQ motif containing B1; minus strand). Cytogenetic location: 3q13.33.
Variant type: single nucleotide variant.
Coding change: c.1656C>G on transcript NM_001023570.4 (MANE Select); coding-DNA position 1656, C replaced by G.
Protein change: p.Ala552=; no amino-acid change (alanine 552 retained).
Molecular consequence: synonymous variant. On other transcripts: non-coding transcript variant (1).
Genome position (GRCh38, 1-based): chr3:121,770,486, G>C on the plus strand (C>G on the coding strand, the complement: IQCB1 is on the minus strand). VCF-style: chr3-121770486-G-C. GRCh37 (hg19) VCF-style: chr3-121489333-G-C.
Other names: c.1257C>G, p.Ala419= (NM_001023571.4); c.1656C>G, p.Ala552= (NM_001319107.2); c.1656C>G (NM_001023570.3).
Identifiers: ClinVar variation 900981 (VCV000900981.12), dbSNP rs1399676175, ClinGen allele CA435245997.